The following is an entry in ClinVar:

NM_018896.5(CACNA1G):c.4671G>T (p.Glu1557Asp)

Gene: CACNA1G (calcium voltage-gated channel subunit alpha1 G; plus strand). Cytogenetic location: 17q21.33.
Variant type: single nucleotide variant.
Coding change: c.4671G>T on transcript NM_018896.5 (MANE Select); coding-DNA position 4671, G replaced by T.
Protein change: p.Glu1557Asp; replaces glutamic acid 1557 with aspartic acid.
Molecular consequence: missense variant. On other transcripts: non-coding transcript variant (5).
Genome position (GRCh38, 1-based): chr17:50,607,985, G>T. VCF-style: chr17-50607985-G-T. GRCh37 (hg19) VCF-style: chr17-48685346-G-T.
Other names: c.4671G>T, p.Glu1557Asp (NM_001256324.2, NM_001256325.2, NM_001256327.2 and 9 more transcripts); c.4569G>T, p.Glu1523Asp (NM_001256326.2, NM_001256329.2, NM_001256330.2 and 1 more transcripts); c.4500G>T, p.Glu1500Asp (NM_001256332.2); c.4590G>T, p.Glu1530Asp (NM_001256359.2, NM_001256361.2); c.4596G>T, p.Glu1532Asp (NM_001256360.2); c.4602G>T, p.Glu1534Asp (NM_198376.3, NM_198379.3, NM_198382.3 and 4 more transcripts); short protein forms E1500D, E1530D, E1534D, E1532D, E1523D, E1557D.
Identifiers: ClinVar variation 2738473 (VCV002738473.3), dbSNP rs2048297498, ClinGen allele CA400259193.

ClinVar aggregate classification (germline): Uncertain significance (1 of 4 stars; one submission).

Allele frequency attached by ClinVar (database versions not stated): TOPMed below 0.00001.

Submission:

Labcorp Genetics (formerly Invitae), Labcorp
Classification: Uncertain significance. Last evaluated: 2023-07-08. Review status: criteria provided, single submitter. Criteria: Invitae Variant Classification Sherloc (09022015). Collection method: clinical testing. Allele origin: germline.
Comment: In summary, the available evidence is currently insufficient to determine the role of this variant in disease. Therefore, it has been classified as a Variant of Uncertain Significance. Advanced modeling of protein sequence and biophysical properties (such as structural, functional, and spatial information, amino acid conservation, physicochemical variation, residue mobility, and thermodynamic stability) has been performed at Invitae for this missense variant, however the output from this modeling did not meet the statistical confidence thresholds required to predict the impact of this variant on CACNA1G protein function. This variant has not been reported in the literature in individuals affected with CACNA1G-related conditions. This variant is not present in population databases (gnomAD no frequency). This sequence change replaces glutamic acid, which is acidic and polar, with aspartic acid, which is acidic and polar, at codon 1557 of the CACNA1G protein (p.Glu1557Asp).